The following is an entry in ClinVar:

ClinVar aggregate classification (germline): Uncertain significance (1 of 4 stars; one submission).

gnomAD v4.1: 2 of 1,613,978 alleles (0.00012%); highest among the groups gnomAD compares: African/African-American, 0.0027%; no homozygotes.

Submission:

GeneDx
Classification: Uncertain significance. Last evaluated: 2025-03-03. Review status: criteria provided, single submitter. Criteria: GeneDx Variant Classification Process June 2021. Collection method: clinical testing. Allele origin: germline. Affected: yes.
Comment: Not observed at significant frequency in large population cohorts (gnomAD); In silico analysis indicates that this variant does not alter splicing; Has not been previously published as pathogenic or benign to our knowledge; Reported using an alternate transcript of the gene

NM_130837.3(OPA1):c.739C>G (p.Arg247Gly)

Genes: OPA1 (OPA1 mitochondrial dynamin like GTPase; plus strand), OPA1-AS1 (OPA1 antisense RNA 1; minus strand). Cytogenetic location: 3q29.
Variant type: single nucleotide variant.
Coding change: c.739C>G on transcript NM_130837.3 (MANE Select); coding-DNA position 739, C replaced by G.
Protein change: p.Arg247Gly; replaces arginine 247 with glycine.
Molecular consequence: missense variant. On other transcripts: intron variant (5).
Genome position (GRCh38, 1-based): chr3:193,626,152, C>G. VCF-style: chr3-193626152-C-G. GRCh37 (hg19) VCF-style: chr3-193343941-C-G.
Other names: c.205C>G, p.Arg69Gly (NM_001354663.2); c.577C>G, p.Arg193Gly (NM_130833.3); c.631C>G, p.Arg211Gly (NM_130835.3); c.685C>G, p.Arg229Gly (NM_130836.3); c.253-5460C>G (NM_001354664.2); c.679-5460C>G (NM_130834.3); c.625-5460C>G (NM_015560.3); c.571-5460C>G (NM_130832.3); and 1 more; short protein forms R193G, R211G, R229G, R247G, R69G.
Identifiers: ClinVar variation 4082664 (VCV004082664.1).
Genomic context (GRCh38, chr3:193,626,152, plus strand): 5'-GGTCTGCTTGGTGAGCTCATTCTCTTACAACAACAAATTCAAGAGCATGAAGAGGAAGCG[C>G]GCAGAGCCGCTGGCCAATATAGCACGAGCTATGCCCAACAGAAGCGCAAGGTGATGGATG-3'
Protein context (NP_570850.2, residues 237-257): QQIQEHEEEA[Arg247Gly]RAAGQYSTSY